The following is an entry in ClinVar:

ClinVar aggregate classification (germline): Benign. Review status: criteria provided, multiple submitters, no conflicts (2 of 4 stars). 4 submissions from 3 submitters: Benign (4). Last evaluated 2026-01-04.

Conditions:
Acrokeratosis verruciformis of Hopf (AKV). Also called: Acrokeratosis verruciformis; HOPF DISEASE. Identifiers: Orphanet 79151, MedGen C0265971, MONDO:0007048, OMIM 101900.
Keratosis follicularis (DAR). Also called: Darier disease; Darier's disease. Identifiers: Orphanet 218, MedGen C0022595, MONDO:0007417, OMIM 124200.

Allele frequency attached by ClinVar (database versions not stated): gnomAD exomes 0.00049; TOPMed 0.00052; ExAC 0.00054; gnomAD 0.00055 and 0.00056; ESP Exome Variant Server 0.00062.
gnomAD v4.1: 1,204 of 1,613,246 alleles (0.075%); highest among the groups gnomAD compares: Non-Finnish European, 0.097%; no homozygotes.

Submissions (4):

Labcorp Genetics (formerly Invitae), Labcorp
Classification: Benign. Last evaluated: 2026-01-04. Review status: criteria provided, single submitter. Criteria: Invitae Variant Classification Sherloc (09022015). Collection method: clinical testing. Allele origin: germline.

Genome-Nilou Lab
Classification: Benign for Acrokeratosis verruciformis of Hopf. Last evaluated: 2021-12-05. Review status: criteria provided, single submitter. Criteria: ACMG Guidelines, 2015. Collection method: clinical testing. Allele origin: germline. Affected: no.

Genome-Nilou Lab
Classification: Benign for Keratosis follicularis. Last evaluated: 2021-12-05. Review status: criteria provided, single submitter. Criteria: ACMG Guidelines, 2015. Collection method: clinical testing. Allele origin: germline. Affected: no.

Illumina Laboratory Services, Illumina
Classification: Benign for Keratosis follicularis. Last evaluated: 2018-01-13. Review status: criteria provided, single submitter. Criteria: ICSL Variant Classification Criteria 13 December 2019. Collection method: clinical testing. Allele origin: germline.
Comment: This variant was observed in the ICSL laboratory as part of a predisposition screen in an ostensibly healthy population. It had not been previously curated by ICSL or reported in the Human Gene Mutation Database (HGMD: prior to June 1st, 2018), and was therefore a candidate for classification through an automated scoring system. Utilizing variant allele frequency, disease prevalence and penetrance estimates, and inheritance mode, an automated score was calculated to assess if this variant is too frequent to cause the disease. Based on the score and internal cut-off values, a variant classified as benign is not then subjected to further curation. The score for this variant resulted in a classification of benign for this disease.

NM_170665.4(ATP2A2):c.2319-12G>A

Gene: ATP2A2 (ATPase sarcoplasmic/endoplasmic reticulum Ca2+ transporting 2; plus strand). Cytogenetic location: 12q24.11.
Variant type: single nucleotide variant.
Coding change: c.2319-12G>A on transcript NM_170665.4 (MANE Select); 12 bases into the intron before coding-DNA position 2319, G replaced by A.
Molecular consequence: intron variant.
Genome position (GRCh38, 1-based): chr12:110,343,220, G>A. VCF-style: chr12-110343220-G-A. GRCh37 (hg19) VCF-style: chr12-110781025-G-A.
Other names: c.2319-12G>A (NM_001681.4).
Identifiers: ClinVar variation 307180 (VCV000307180.13), dbSNP rs369489819, ClinGen allele CA6784095.